The following is an entry in ClinVar:

NM_017649.5(CNNM2):c.1025T>C (p.Leu342Pro)

Gene: CNNM2 (cyclin and CBS domain divalent metal cation transport mediator 2; plus strand). Cytogenetic location: 10q24.32.
Variant type: single nucleotide variant.
Coding change: c.1025T>C on transcript NM_017649.5 (MANE Select); coding-DNA position 1025, T replaced by C.
Protein change: p.Leu342Pro; replaces leucine 342 with proline.
Molecular consequence: missense variant.
Genome position (GRCh38, 1-based): chr10:102,919,505, T>C. VCF-style: chr10-102919505-T-C. GRCh37 (hg19) VCF-style: chr10-104679262-T-C.
Other names: c.1025T>C, p.Leu342Pro (NM_199076.3, NM_199077.3); short protein forms L342P.
Identifiers: ClinVar variation 2446139 (VCV002446139.1), dbSNP rs2493375837, ClinGen allele CA377959306.

ClinVar aggregate classification (germline): Uncertain significance (1 of 4 stars; one submission).

Submission:

GeneDx
Classification: Uncertain significance. Last evaluated: 2022-09-26. Review status: criteria provided, single submitter. Criteria: GeneDx Variant Classification Process June 2021. Collection method: clinical testing. Allele origin: germline. Affected: yes.
Comment: Not observed at significant frequency in large population cohorts (gnomAD); In silico analysis supports that this missense variant has a deleterious effect on protein structure/function; Has not been previously published as pathogenic or benign to our knowledge